The following is an entry in ClinVar:

ClinVar aggregate classification (germline): Uncertain significance (0 of 4 stars; one submission).

Conditions:
GNAS-related disorder. Identifiers: MedGen CN380105.

Allele frequency attached by ClinVar (database versions not stated): ExAC 0.00001.
gnomAD v4.1: 10 of 1,613,102 alleles (0.00062%); highest among the groups gnomAD compares: South Asian, 0.0088%; no homozygotes.

Submission:

PreventionGenetics, part of Exact Sciences
Classification: Uncertain significance for GNAS-related condition. Last evaluated: 2023-10-31. Review status: no assertion criteria provided. Collection method: clinical testing. Allele origin: germline.
Comment: The GNAS c.939C>G variant is predicted to result in the amino acid substitution p.Ser313Arg. In the more commonly reported transcript (NM_000516.5), this variant is pre-coding (c.-37523C>G). To our knowledge, this variant has not been reported in the literature. This variant is reported in 0.0033% of alleles in individuals of South Asian descent in gnomAD. At this time, the clinical significance of this variant is uncertain due to the absence of conclusive functional and genetic evidence.

NM_080425.4(GNAS):c.939C>G (p.Ser313Arg)

Gene: GNAS (GNAS complex locus; plus strand). Cytogenetic location: 20q13.32.
Variant type: single nucleotide variant.
Coding change: c.939C>G on transcript NM_080425.4 (MANE Plus Clinical); coding-DNA position 939, C replaced by G.
Protein change: p.Ser313Arg; replaces serine 313 with arginine.
Molecular consequence: missense variant. On other transcripts: intron variant (3).
Genome position (GRCh38, 1-based): chr20:58,854,204, C>G. VCF-style: chr20-58854204-C-G. GRCh37 (hg19) VCF-style: chr20-57429259-C-G.
Other names: c.752C>G, p.Ala251Gly (NM_001077490.3, NM_001309883.1); c.939C>G, p.Ser313Arg (NM_001410913.1); c.*42+13318C>G (NM_016592.5); c.43+13318C>G (NM_001410912.1); c.-39+12329C>G (NM_001309861.2); short protein forms A251G, S313R.
Identifiers: ClinVar variation 3046671 (VCV003046671.2), dbSNP rs749050777, ClinGen allele CA9926582.